The following is an entry in ClinVar:

ClinVar aggregate classification (germline): Uncertain significance. Review status: criteria provided, multiple submitters, no conflicts (2 of 4 stars). 4 submissions from 4 submitters: Uncertain significance (4). Last evaluated 2024-11-19.

Conditions:
Inborn genetic diseases. Identifiers: MedGen C0950123, MeSH D030342.

Allele frequency attached by ClinVar (database versions not stated): gnomAD 0.00010 and 0.00012; gnomAD exomes 0.00014 and 0.00036; 1000 Genomes Project 30x 0.00031; ExAC 0.00063.
gnomAD v4.1: 218 of 1,500,846 alleles (0.015%); highest among the groups gnomAD compares: South Asian, 0.11%; 2 homozygotes.

Submissions (4):

Blueprint Genetics
Classification: Uncertain significance. Last evaluated: 2024-11-19. Review status: criteria provided, single submitter. Criteria: ACMG Guidelines, 2015. Collection method: clinical testing. Allele origin: germline.

CeGaT Center for Human Genetics Tuebingen
Classification: Uncertain significance. Last evaluated: 2023-09-01. Review status: criteria provided, single submitter. Criteria: CeGaT Center For Human Genetics Tuebingen Variant Classification Criteria Version 2. Collection method: clinical testing. Allele origin: germline. Affected: yes. Observed: 1 variant allele.
Comment: FAM20C: PM2, PP3

Labcorp Genetics (formerly Invitae), Labcorp
Classification: Uncertain significance. Last evaluated: 2022-08-21. Review status: criteria provided, single submitter. Criteria: Invitae Variant Classification Sherloc (09022015). Collection method: clinical testing. Allele origin: germline.
Comment: This sequence change replaces glycine, which is neutral and non-polar, with serine, which is neutral and polar, at codon 127 of the FAM20C protein (p.Gly127Ser). This variant is present in population databases (rs537411703, gnomAD 0.1%). This variant has not been reported in the literature in individuals affected with FAM20C-related conditions. ClinVar contains an entry for this variant (Variation ID: 1349647). Algorithms developed to predict the effect of missense changes on protein structure and function output the following: SIFT: "Tolerated"; PolyPhen-2: "Benign"; Align-GVGD: "Class C0". The serine amino acid residue is found in multiple mammalian species, which suggests that this missense change does not adversely affect protein function. In summary, the available evidence is currently insufficient to determine the role of this variant in disease. Therefore, it has been classified as a Variant of Uncertain Significance.

Ambry Genetics
Classification: Uncertain significance for Inborn genetic diseases. Last evaluated: 2021-06-04. Review status: criteria provided, single submitter. Criteria: Ambry Variant Classification Scheme 2023. Collection method: clinical testing. Allele origin: germline.

NM_020223.4(FAM20C):c.379G>A (p.Gly127Ser)

Gene: FAM20C (FAM20C golgi associated secretory pathway kinase; plus strand). Cytogenetic location: 7p22.3.
Variant type: single nucleotide variant.
Coding change: c.379G>A on transcript NM_020223.4 (MANE Select); coding-DNA position 379, G replaced by A.
Protein change: p.Gly127Ser; replaces glycine 127 with serine.
Molecular consequence: missense variant.
Genome position (GRCh38, 1-based): chr7:193,578, G>A. VCF-style: chr7-193578-G-A. GRCh37 (hg19) VCF-style: chr7-193578-G-A.
Other names: c.379G>A (NM_020223.2); short protein forms G127S.
Identifiers: ClinVar variation 1349647 (VCV001349647.28), dbSNP rs537411703, ClinGen allele CA4108905.
Genomic context (GRCh38, chr7:193,578, plus strand): 5'-CTGGAGAAACTGCCGCCCGCGGCCGAGCCGGCCGAGCGCGCCTTGCGGGGGCGGGATCCC[G>A]GCGCCCTAAGACCCCACGACCCCGCGCACCGGCCGCTGCTGCGAGACCCCGGCCCGCGTC-3'
Protein context (NP_064608.2, residues 117-137): AERALRGRDP[Gly127Ser]ALRPHDPAHR